The following is an entry in ClinVar:

ClinVar aggregate classification (germline): Uncertain significance (1 of 4 stars; one submission).

Allele frequency attached by ClinVar (database versions not stated): gnomAD exomes 0.00001.

Submission:

Labcorp Genetics (formerly Invitae), Labcorp
Classification: Uncertain significance. Last evaluated: 2024-01-29. Review status: criteria provided, single submitter. Criteria: Invitae Variant Classification Sherloc (09022015). Collection method: clinical testing. Allele origin: germline.
Comment: This sequence change replaces arginine, which is basic and polar, with cysteine, which is neutral and slightly polar, at codon 1972 of the SON protein (p.Arg1972Cys). This variant is present in population databases (no rsID available, gnomAD 0.006%). This variant has not been reported in the literature in individuals affected with SON-related conditions. ClinVar contains an entry for this variant (Variation ID: 1983507). Experimental studies and prediction algorithms are not available or were not evaluated, and the functional significance of this variant is currently unknown. In summary, the available evidence is currently insufficient to determine the role of this variant in disease. Therefore, it has been classified as a Variant of Uncertain Significance.

NM_138927.4(SON):c.5914C>T (p.Arg1972Cys)

Gene: SON (SON DNA and RNA binding protein; plus strand). Cytogenetic location: 21q22.11.
Variant type: single nucleotide variant.
Coding change: c.5914C>T on transcript NM_138927.4 (MANE Select); coding-DNA position 5914, C replaced by T.
Protein change: p.Arg1972Cys; replaces arginine 1972 with cysteine.
Molecular consequence: missense variant. On other transcripts: non-coding transcript variant (1), intron variant (1).
Genome position (GRCh38, 1-based): chr21:33,555,145, C>T. VCF-style: chr21-33555145-C-T. GRCh37 (hg19) VCF-style: chr21-34927451-C-T.
Other names: c.5914C>T, p.Arg1972Cys (NM_001291411.2, NM_001412133.1, NM_032195.3 and 2 more transcripts); c.245-2011C>T (NM_001291412.3); short protein forms R1972C.
Identifiers: ClinVar variation 1983507 (VCV001983507.4), dbSNP rs1296386775, ClinGen allele CA410165795.